The following is an entry in ClinVar:

ClinVar aggregate classification (germline): Uncertain significance (1 of 4 stars; one submission).

Conditions:
TET3-related disorder. Also called: TET3-related condition; TET3-Related Disease.

Submission:

PreventionGenetics, part of Exact Sciences
Classification: Uncertain significance for TET3-related condition. Last evaluated: 2024-10-18. Review status: criteria provided, single submitter. Criteria: ACMG Guidelines, 2015. Collection method: clinical testing. Allele origin: germline.
Comment: The TET3 c.2261C>T variant is predicted to result in the amino acid substitution p.Pro754Leu. To our knowledge, this variant has not been reported in the literature or in a large population database, indicating this variant is rare. At this time, the clinical significance of this variant is uncertain due to the absence of conclusive functional and genetic evidence.

NM_001287491.2(TET3):c.2261C>T (p.Pro754Leu)

Gene: TET3 (tet methylcytosine dioxygenase 3; plus strand). Cytogenetic location: 2p13.1.
Variant type: single nucleotide variant.
Coding change: c.2261C>T on transcript NM_001287491.2 (MANE Select); coding-DNA position 2261, C replaced by T.
Protein change: p.Pro754Leu; replaces proline 754 with leucine.
Molecular consequence: missense variant.
Genome position (GRCh38, 1-based): chr2:74,048,178, C>T. VCF-style: chr2-74048178-C-T. GRCh37 (hg19) VCF-style: chr2-74275305-C-T.
Other names: c.1982C>T, p.Pro661Leu (NM_001366022.1); c.1856C>T, p.Pro619Leu (NM_144993.1); short protein forms P619L, P661L, P754L.
Identifiers: ClinVar variation 2635106 (VCV002635106.2), dbSNP rs914214058, ClinGen allele CA347330215.
Genomic context (GRCh38, chr2:74,048,178, plus strand): 5'-ACCCCGAGAACCAGCAAACATGTCTCCCAGCCCCTGAGAGCCCCTTTGCTACCCGTTCCC[C>T]CAAGCAAATCAAGATTGAGTCTTCGGGGGCTGTGACTGTGCTCTCAACCACCTGCTTCCA-3'
Protein context (NP_001274420.1, residues 744-764): APESPFATRS[Pro754Leu]KQIKIESSGA